The following is an entry in ClinVar:

ClinVar aggregate classification (germline): Pathogenic (1 of 4 stars; one submission).

Submission:

Quest Diagnostics Nichols Institute San Juan Capistrano
Classification: Pathogenic. Last evaluated: 2023-08-02. Review status: criteria provided, single submitter. Criteria: ACMG/ClinGen CNV Guidelines, 2019. Collection method: clinical testing. Allele origin: unknown.
Comment: This copy number loss involves gene TWIST1 (OMIM 601622), haploinsufficiency of which is associated with autosomal dominant Saethre-Chotzen syndrome (OMIM 101400; CCID:008070; Gallagher et al., GeneReviews [2019 Jan 24]. PMID: 20301368). Thus, this CNV is classified as pathogenic.

GRCh37/hg19 7p21.1-15.3(chr7:18195234-21496962)x1

Genes: ABCB5 (ATP binding cassette subfamily B member 5; plus strand), FERD3L (Fer3 like bHLH transcription factor; minus strand), HDAC9 (histone deacetylase 9; plus strand), ITGB8 (integrin subunit beta 8; plus strand), MACC1 (MET transcriptional regulator MACC1; minus strand) and 5 more. Cytogenetic location: 7p21.1-15.3.
Variant type: copy number loss.
Change: copy number 1 (one copy instead of two) of chr7:18,195,234-21,496,962 (3.30 Mb, GRCh37 coordinates, 1-based), cytogenetic band 7p21.1-15.3.
Identifiers: ClinVar variation 3391894 (VCV003391894.1).